The following is an entry in ClinVar:

NM_031844.3(HNRNPU):c.89_179del (p.Leu30fs)

Gene: HNRNPU (heterogeneous nuclear ribonucleoprotein U; minus strand). Cytogenetic location: 1q44.
Variant type: Deletion.
Coding change: c.89_179del on transcript NM_031844.3 (MANE Select); coding-DNA positions 89 to 179, 91 bases deleted.
Protein change: p.Leu30fs; shifts the reading frame from leucine 30.
Molecular consequence: frameshift variant.
Genome position (GRCh38, 1-based): chr1:244,864,129-244,864,219, 91 bases deleted. GRCh37 (hg19): chr1:245,027,431-245,027,521.
Other names: c.89_179del, p.Leu30fs (NM_004501.3); short protein forms L30fs.
Identifiers: ClinVar variation 2833061 (VCV002833061.3), dbSNP rs2527895995, ClinGen allele CA2739274106.

ClinVar aggregate classification (germline): Pathogenic (1 of 4 stars; one submission).

Conditions:
Developmental and epileptic encephalopathy, 54. Also called: Epileptic encephalopathy, early infantile, 54; HNRNPU-Related Neurodevelopmental Disorder. Identifiers: MedGen C4479319, MONDO:0033363, OMIM 617391.

Submission:

Labcorp Genetics (formerly Invitae), Labcorp
Classification: Pathogenic for Developmental and epileptic encephalopathy, 54. Last evaluated: 2023-01-30. Review status: criteria provided, single submitter. Criteria: Invitae Variant Classification Sherloc (09022015). Collection method: clinical testing. Allele origin: germline.
Comment: For these reasons, this variant has been classified as Pathogenic. This variant has not been reported in the literature in individuals affected with HNRNPU-related conditions. This variant is not present in population databases (gnomAD no frequency). This sequence change creates a premature translational stop signal (p.Leu30Glnfs*47) in the HNRNPU gene. It is expected to result in an absent or disrupted protein product. Loss-of-function variants in HNRNPU are known to be pathogenic (PMID: 22678713, 28283832).

Literature cited by the submitters: PubMed 22678713; PubMed 28283832.